The following is an entry in ClinVar:

NM_000051.4(ATM):c.171G>A (p.Trp57Ter)

Gene: ATM (ATM serine/threonine kinase; plus strand). Cytogenetic location: 11q22.3.
Variant type: single nucleotide variant.
Coding change: c.171G>A on transcript NM_000051.4 (MANE Select); coding-DNA position 171, G replaced by A.
Protein change: p.Trp57Ter; replaces tryptophan 57 with a stop codon.
Molecular consequence: nonsense.
Genome position (GRCh38, 1-based): chr11:108,227,874, G>A. VCF-style: chr11-108227874-G-A. GRCh37 (hg19) VCF-style: chr11-108098601-G-A.
Other names: c.171G>A, p.Trp57Ter (NM_001351834.2, NM_001351835.2, NM_001351836.2); short protein forms W57*.
Identifiers: ClinVar variation 1778725 (VCV001778725.2), dbSNP rs1555054249, ClinGen allele CA382520516.
Genomic context (GRCh38, chr11:108,227,874, plus strand): 5'-TGAAACAATTAAACATCTAGATCGGCATTCAGATTCCAAACAAGGAAAATATTTGAATTG[G>A]GATGCTGTTTTTAGGTATTCTATTCAAATTTATTTTACTGTCTTTATTTTTCTCTTTCAT-3'

ClinVar aggregate classification (germline): Pathogenic (1 of 4 stars; one submission).

Conditions:
Hereditary cancer-predisposing syndrome. Also called: Neoplastic Syndromes, Hereditary; Tumor predisposition; Hereditary Cancer Syndrome; Hereditary neoplastic syndrome. Identifiers: Orphanet 140162, MedGen C0027672, MeSH D009386, MONDO:0015356.

Submission:

Ambry Genetics
Classification: Pathogenic for Hereditary cancer-predisposing syndrome. Last evaluated: 2021-10-12. Review status: criteria provided, single submitter. Criteria: Ambry Variant Classification Scheme 2023. Collection method: clinical testing. Allele origin: germline.
Comment: The p.W57* pathogenic mutation (also known as c.171G>A), located in coding exon 2 of the ATM gene, results from a G to A substitution at nucleotide position 171. This changes the amino acid from a tryptophan to a stop codon within coding exon 2. This variant is considered to be rare based on population cohorts in the Genome Aggregation Database (gnomAD). This alteration is expected to result in loss of function by premature protein truncation or nonsense-mediated mRNA decay. As such, this alteration is interpreted as a disease-causing mutation.